The following is an entry in ClinVar:

ClinVar aggregate classification (germline): Uncertain significance (1 of 4 stars; one submission).

Submission:

Labcorp Genetics (formerly Invitae), Labcorp
Classification: Uncertain significance. Last evaluated: 2022-02-23. Review status: criteria provided, single submitter. Criteria: Invitae Variant Classification Sherloc (09022015). Collection method: clinical testing. Allele origin: germline.
Comment: In summary, the available evidence is currently insufficient to determine the role of this variant in disease. Therefore, it has been classified as a Variant of Uncertain Significance. Algorithms developed to predict the effect of sequence changes on RNA splicing suggest that this variant may create or strengthen a splice site. Algorithms developed to predict the effect of missense changes on protein structure and function are either unavailable or do not agree on the potential impact of this missense change (SIFT: "Tolerated"; PolyPhen-2: "Probably Damaging"; Align-GVGD: "Class C0"). This variant has not been reported in the literature in individuals affected with IMPG1-related conditions. This variant is not present in population databases (gnomAD no frequency). This sequence change replaces leucine, which is neutral and non-polar, with arginine, which is basic and polar, at codon 304 of the IMPG1 protein (p.Leu304Arg).

NM_001563.4(IMPG1):c.911T>G (p.Leu304Arg)

Gene: IMPG1 (interphotoreceptor matrix proteoglycan 1; minus strand). Cytogenetic location: 6q14.1.
Variant type: single nucleotide variant.
Coding change: c.911T>G on transcript NM_001563.4 (MANE Select); coding-DNA position 911, T replaced by G.
Protein change: p.Leu304Arg; replaces leucine 304 with arginine.
Molecular consequence: missense variant.
Genome position (GRCh38, 1-based): chr6:76,005,511, A>C on the plus strand (T>G on the coding strand, the complement: IMPG1 is on the minus strand). VCF-style: chr6-76005511-A-C. GRCh37 (hg19) VCF-style: chr6-76715228-A-C.
Other names: c.677T>G, p.Leu226Arg (NM_001282368.2); short protein forms L226R, L304R.
Identifiers: ClinVar variation 1388153 (VCV001388153.6), dbSNP rs2149477739, ClinGen allele CA364774671.
Genomic context (GRCh38, chr6:76,005,511, plus strand): 5'-GACAGGAGGTCACTTGCAGGGCTTTTTGCTTCTGCACTGTGTCTCTTAAAGATGGCCGTA[A>C]GTTGCATCTCTGTGGAGCTTGAGCTGTAGATAGCAGAGGACACATTCCCCACCCAAAGCC-3'
Protein context (NP_001554.2, residues 294-314): KDGSSSTEMQ[Leu304Arg]TAIFKRHSAE